The following is an entry in ClinVar:

NM_001281740.3(FHOD3):c.4697T>C (p.Met1566Thr)

Gene: FHOD3 (formin homology 2 domain containing 3; plus strand). Cytogenetic location: 18q12.2.
Variant type: single nucleotide variant.
Coding change: c.4697T>C on transcript NM_001281740.3 (MANE Select); coding-DNA position 4697, T replaced by C.
Protein change: p.Met1566Thr; replaces methionine 1566 with threonine.
Molecular consequence: missense variant.
Genome position (GRCh38, 1-based): chr18:36,769,337, T>C. VCF-style: chr18-36769337-T-C. GRCh37 (hg19) VCF-style: chr18-34349300-T-C.
Other names: c.4097T>C, p.Met1366Thr (NM_001281739.3); c.4148T>C, p.Met1383Thr (NM_025135.5); short protein forms M1366T, M1383T, M1566T.
Identifiers: ClinVar variation 3895190 (VCV003895190.1), dbSNP rs547809819.

ClinVar aggregate classification (germline): Uncertain significance (1 of 4 stars; one submission).

Conditions:
Cardiovascular phenotype. Identifiers: MedGen CN230736.

Submission:

Molecular Diagnostic Laboratory for Inherited Cardiovascular Disease, Montreal Heart Institute
Classification: Uncertain significance for Cardiovascular phenotype. Last evaluated: 2025-04-09. Review status: criteria provided, single submitter. Criteria: ACMG Guidelines, 2015. Collection method: clinical testing. Allele origin: germline. Affected: yes.
Comment: PM2, PP3, BP5